The following is an entry in ClinVar:

ClinVar aggregate classification (germline): Uncertain significance. Review status: criteria provided, multiple submitters, no conflicts (2 of 4 stars). 2 submissions from 2 submitters: Uncertain significance (2). Last evaluated 2025-01-10.

Conditions:
POLD1-related polyposis and colorectal cancer syndrome (CRCS10). Also called: Colorectal cancer 10; COLORECTAL CANCER, SUSCEPTIBILITY TO, ON CHROMOSOME 19q; Colorectal cancer, susceptibility to, 10. Identifiers: Orphanet 220460, MedGen C2675481, MONDO:0012953, OMIM 612591.
Hereditary cancer-predisposing syndrome. Also called: Neoplastic Syndromes, Hereditary; Tumor predisposition; Hereditary Cancer Syndrome; Hereditary neoplastic syndrome. Identifiers: Orphanet 140162, MedGen C0027672, MeSH D009386, MONDO:0015356.

gnomAD v4.1: 1 of 1,613,498 alleles (0.000062%); highest among the groups gnomAD compares: Non-Finnish European, 0.000085%; no homozygotes.

Submissions (2):

Ambry Genetics
Classification: Uncertain significance for Hereditary cancer-predisposing syndrome. Last evaluated: 2025-01-10. Review status: criteria provided, single submitter. Criteria: Ambry Variant Classification Scheme 2023. Collection method: clinical testing. Allele origin: germline.
Comment: The p.K730I variant (also known as c.2189A>T), located in coding exon 17 of the POLD1 gene, results from an A to T substitution at nucleotide position 2189. The lysine at codon 730 is replaced by isoleucine, an amino acid with dissimilar properties. This amino acid position is conserved. In addition, this alteration is predicted to be tolerated by in silico analysis. Based on the available evidence, the clinical significance of this variant remains unclear.

Labcorp Genetics (formerly Invitae), Labcorp
Classification: Uncertain significance for POLD1-related polyposis and colorectal cancer syndrome. Last evaluated: 2024-05-09. Review status: criteria provided, single submitter. Criteria: Invitae Variant Classification Sherloc (09022015). Collection method: clinical testing. Allele origin: germline.
Comment: This sequence change replaces lysine, which is basic and polar, with isoleucine, which is neutral and non-polar, at codon 730 of the POLD1 protein (p.Lys730Ile). This variant is not present in population databases (gnomAD no frequency). This variant has not been reported in the literature in individuals affected with POLD1-related conditions. ClinVar contains an entry for this variant (Variation ID: 1493943). Advanced modeling of protein sequence and biophysical properties (such as structural, functional, and spatial information, amino acid conservation, physicochemical variation, residue mobility, and thermodynamic stability) performed at Invitae indicates that this missense variant is not expected to disrupt POLD1 protein function with a negative predictive value of 80%. In summary, the available evidence is currently insufficient to determine the role of this variant in disease. Therefore, it has been classified as a Variant of Uncertain Significance.

NM_002691.4(POLD1):c.2189A>T (p.Lys730Ile)

Gene: POLD1 (DNA polymerase delta 1, catalytic subunit; plus strand). Cytogenetic location: 19q13.33.
Variant type: single nucleotide variant.
Coding change: c.2189A>T on transcript NM_002691.4 (MANE Select); coding-DNA position 2189, A replaced by T.
Protein change: p.Lys730Ile; replaces lysine 730 with isoleucine.
Molecular consequence: missense variant. On other transcripts: non-coding transcript variant (1).
Genome position (GRCh38, 1-based): chr19:50,413,460, A>T. VCF-style: chr19-50413460-A-T. GRCh37 (hg19) VCF-style: chr19-50916717-A-T.
Other names: c.2189A>T (NM_002691.2); c.2189A>T, p.Lys730Ile (NM_001256849.1); c.2267A>T, p.Lys756Ile (NM_001308632.1); short protein forms K756I, K730I.
Identifiers: ClinVar variation 1493943 (VCV001493943.9), dbSNP rs1568634947, ClinGen allele CA406983574.